The following is an entry in ClinVar:

NM_002894.3(RBBP8):c.927A>G (p.Ser309=)

Gene: RBBP8 (RB binding protein 8, endonuclease; plus strand). Cytogenetic location: 18q11.2.
Variant type: single nucleotide variant.
Coding change: c.927A>G on transcript NM_002894.3 (MANE Select); coding-DNA position 927, A replaced by G.
Protein change: p.Ser309=; no amino-acid change (serine 309 retained).
Molecular consequence: synonymous variant.
Genome position (GRCh38, 1-based): chr18:22,992,754, A>G. VCF-style: chr18-22992754-A-G. GRCh37 (hg19) VCF-style: chr18-20572717-A-G.
Other names: c.927A>G, p.Ser309= (NM_203291.2, NM_203292.2).
Identifiers: ClinVar variation 326223 (VCV000326223.14), dbSNP rs370136343, ClinGen allele CA8909988.

ClinVar aggregate classification (germline): Likely benign. Review status: criteria provided, multiple submitters, no conflicts (2 of 4 stars). 3 submissions from 3 submitters: Likely benign (3). Last evaluated 2026-01-21.

Conditions:
RBBP8-related disorder. Also called: RBBP8-Related Disorders; RBBP8-related condition. Identifiers: MedGen CN239300.

Allele frequency attached by ClinVar (database versions not stated): ExAC 0.00006; gnomAD 0.00008 and 0.00009; gnomAD exomes 0.00008 and 0.00014; TOPMed 0.00010; ESP Exome Variant Server 0.00016.
gnomAD v4.1: 203 of 1,583,366 alleles (0.013%); highest among the groups gnomAD compares: Non-Finnish European, 0.017%; no homozygotes.

Submissions (3):

Labcorp Genetics (formerly Invitae), Labcorp
Classification: Likely benign. Last evaluated: 2026-01-21. Review status: criteria provided, single submitter. Criteria: Invitae Variant Classification Sherloc (09022015). Collection method: clinical testing. Allele origin: germline.

PreventionGenetics, part of Exact Sciences
Classification: Likely benign for RBBP8-related condition. Last evaluated: 2024-11-16. Review status: criteria provided, single submitter. Criteria: ACMG Guidelines, 2015. Collection method: clinical testing. Allele origin: germline.
Comment: This variant is classified as likely benign based on ACMG/AMP sequence variant interpretation guidelines (Richards et al. 2015 PMID: 25741868, with internal and published modifications).

Blueprint Genetics
Classification: Likely benign. Last evaluated: 2024-09-24. Review status: criteria provided, single submitter. Criteria: ACMG Guidelines, 2015. Collection method: clinical testing. Allele origin: germline.